The following is an entry in ClinVar:

ClinVar aggregate classification (germline): Uncertain significance. Review status: criteria provided, multiple submitters, no conflicts (2 of 4 stars). 2 submissions from 2 submitters: Uncertain significance (2). Last evaluated 2025-06-04.

Conditions:
Inborn genetic diseases. Identifiers: MedGen C0950123, MeSH D030342.

Allele frequency attached by ClinVar (database versions not stated): gnomAD exomes below 0.00001; TOPMed below 0.00001; ExAC 0.00001; gnomAD 0.00001; 1000 Genomes Project 30x 0.00016; 1000 Genomes Project 0.00020.
gnomAD v4.1: 5 of 1,614,164 alleles (0.00031%); highest among the groups gnomAD compares: East Asian, 0.0022%; no homozygotes.

Submissions (2):

Labcorp Genetics (formerly Invitae), Labcorp
Classification: Uncertain significance. Last evaluated: 2025-06-04. Review status: criteria provided, single submitter. Criteria: Invitae Variant Classification Sherloc (09022015). Collection method: clinical testing. Allele origin: germline.
Comment: This sequence change replaces alanine, which is neutral and non-polar, with valine, which is neutral and non-polar, at codon 150 of the COLGALT1 protein (p.Ala150Val). This variant is present in population databases (rs189437760, gnomAD 0.006%). This variant has not been reported in the literature in individuals affected with COLGALT1-related conditions. ClinVar contains an entry for this variant (Variation ID: 2405570). Invitae Evidence Modeling of protein sequence and biophysical properties (such as structural, functional, and spatial information, amino acid conservation, physicochemical variation, residue mobility, and thermodynamic stability) indicates that this missense variant is expected to disrupt COLGALT1 protein function with a positive predictive value of 80%. In summary, the available evidence is currently insufficient to determine the role of this variant in disease. Therefore, it has been classified as a Variant of Uncertain Significance.

Ambry Genetics
Classification: Uncertain significance for Inborn genetic diseases. Last evaluated: 2022-10-26. Review status: criteria provided, single submitter. Criteria: Ambry Variant Classification Scheme 2023. Collection method: clinical testing. Allele origin: germline.

NM_024656.4(COLGALT1):c.449C>T (p.Ala150Val)

Gene: COLGALT1 (collagen beta(1-O)galactosyltransferase 1; plus strand). Cytogenetic location: 19p13.11.
Variant type: single nucleotide variant.
Coding change: c.449C>T on transcript NM_024656.4 (MANE Select); coding-DNA position 449, C replaced by T.
Protein change: p.Ala150Val; replaces alanine 150 with valine.
Molecular consequence: missense variant.
Genome position (GRCh38, 1-based): chr19:17,560,425, C>T. VCF-style: chr19-17560425-C-T. GRCh37 (hg19) VCF-style: chr19-17671234-C-T.
Other names: short protein forms A150V.
Identifiers: ClinVar variation 2405570 (VCV002405570.3), dbSNP rs189437760, ClinGen allele CA9296903.
Genomic context (GRCh38, chr19:17,560,425, plus strand): 5'-AAGGCCCGAAACACTGGTCTGACTCACGCTACGAGCATGTCATGAAGTTGCGCCAGGCAG[C>T]CCTGAAATCAGCTCGAGACATGTGGGCTGATTACATCCTGGTAAGTTTCTCAGCCGGCCG-3'
Protein context (NP_078932.2, residues 140-160): YEHVMKLRQA[Ala150Val]LKSARDMWAD